The following is an entry in ClinVar:

ClinVar aggregate classification (germline): Uncertain significance (1 of 4 stars; one submission).

Allele frequency attached by ClinVar (database versions not stated): gnomAD 0.00001 and 0.00003; gnomAD exomes below 0.00001; ExAC 0.00001.
gnomAD v4.1: 3 of 1,586,334 alleles (0.00019%); highest among the groups gnomAD compares: African/African-American, 0.0013%; no homozygotes.

Submission:

GeneDx
Classification: Uncertain significance. Last evaluated: 2014-05-07. Review status: criteria provided, single submitter. Criteria: GeneDx Variant Classification (06012015). Collection method: clinical testing. Allele origin: germline. Affected: yes.
Comment: Missense variants in the TTN gene are considered 'unclassified' if they are not previously reported in the literature and do not have >1% frequency in the population to be considered a polymorphism. Research indicates that truncating mutations in the TTN gene are expected to account for approximately 25% of familial and 18% of sporadic idiopathic DCM; however, truncating variants in the TTN gene have been reported in approximately 3% of reported control alleles. There has been little investigation into non-truncating variants. (Herman D et al. Truncations of titin causing dilated cardiomyopathy. N Eng J Med 366:619-628, 2012) The variant is found in CARDIOMYOPATHY panel(s).

NM_001267550.2(TTN):c.10658C>T (p.Thr3553Ile)

Gene: TTN (titin; minus strand). Cytogenetic location: 2q31.2.
Variant type: single nucleotide variant.
Coding change: c.10658C>T on transcript NM_001267550.2 (MANE Select); coding-DNA position 10658, C replaced by T.
Protein change: p.Thr3553Ile; replaces threonine 3553 with isoleucine.
Molecular consequence: missense variant. On other transcripts: intron variant (5).
Genome position (GRCh38, 1-based): chr2:178,757,562, G>A on the plus strand (C>T on the coding strand, the complement: TTN is on the minus strand). VCF-style: chr2-178757562-G-A. GRCh37 (hg19) VCF-style: chr2-179622289-G-A.
Other names: p.T3553I:ACA>ATA; c.10520C>T, p.Thr3507Ile (NM_133432.3); c.10165+1422C>T (NM_003319.4); c.10166-765C>T (NM_133437.4); c.10303+1422C>T (NM_133378.4, NM_001256850.1, NM_133379.5); short protein forms T3553I, T3507I.
Identifiers: ClinVar variation 203178 (VCV000203178.2), dbSNP rs770418018, ClinGen allele CA311594.